The following is an entry in ClinVar:

ClinVar aggregate classification (germline): Uncertain significance. Review status: criteria provided, multiple submitters, no conflicts (2 of 4 stars). 4 submissions from 4 submitters: Uncertain significance (4). Last evaluated 2025-11-02.

Allele frequency attached by ClinVar (database versions not stated): 1000 Genomes Project 30x 0.00016; ExAC 0.00027; TOPMed 0.00015; gnomAD 0.00003; gnomAD exomes 0.00027.

Submissions (4):

Mayo Clinic Laboratories, Mayo Clinic
Classification: Uncertain significance. Last evaluated: 2025-11-02. Review status: criteria provided, single submitter. Criteria: ACMG Guidelines, 2015. Collection method: clinical testing. Allele origin: germline. Observed: 1 variant allele.
Comment: PM4

Women's Health and Genetics/Laboratory Corporation of America, LabCorp
Classification: Uncertain significance. Last evaluated: 2024-06-12. Review status: criteria provided, single submitter. Criteria: LabCorp Variant Classification Summary - May 2015. Collection method: clinical testing. Allele origin: germline.
Comment: Variant summary: VWF c.3097_3099dupGAC (p.Asp1033dup) results in an in-frame duplication that is predicted to duplicate 1 amino acid into the encoded protein. The variant allele was found at a frequency of 0.00027 in 250594 control chromosomes in the gnomAD database, including 1 homozygote. This frequency is not significantly higher than estimated for a pathogenic variant in VWF causing Von Willebrand Disease, allowing no conclusion about variant significance. To our knowledge, no occurrence of c.3097_3099dupGAC in individuals affected with Von Willebrand Disease and no experimental evidence demonstrating its impact on protein function have been reported. ClinVar contains an entry for this variant (Variation ID: 993129). Based on the evidence outlined above, the variant was classified as uncertain significance.

ARUP Laboratories, Molecular Genetics and Genomics, ARUP Laboratories
Classification: Uncertain significance. Last evaluated: 2023-02-16. Review status: criteria provided, single submitter. Criteria: ARUP Molecular Germline Variant Investigation Process 2024. Collection method: clinical testing. Allele origin: germline.
Comment: The VWF c.3097_3099dup; p.Asp1033dup variant (rs752219725), to our knowledge, is not reported in the medical literature in association with VWD but is reported in ClinVar (Variation ID: 993129). This variant is observed in the Latino/Admixed American population with an allele frequency of 0.19% (68/35384 alleles, including 1 homozygote) in the Genome Aggregation Database. This variant duplicates a single aspartic acid residue leaving the rest of the protein in-frame. Due to limited information, the clinical significance of this variant is uncertain at this time.

Quest Diagnostics Nichols Institute San Juan Capistrano
Classification: Uncertain significance. Last evaluated: 2020-08-26. Review status: criteria provided, single submitter. Criteria: Quest Diagnostics criteria. Collection method: clinical testing. Allele origin: unknown.

Literature cited by the submitters: PubMed 30755392 (cited by Quest Diagnostics Nichols Institute San Juan Capistrano).

NM_000552.5(VWF):c.3097_3099dup (p.Asp1033dup)

Gene: VWF (von Willebrand factor; minus strand). Cytogenetic location: 12p13.31.
Variant type: Duplication.
Coding change: c.3097_3099dup on transcript NM_000552.5 (MANE Select); coding-DNA positions 3097 to 3099, 3 bases duplicated (GAC; older notation c.3097_3099dupGAC).
Protein change: p.Asp1033dup; duplicates aspartic acid 1033.
Molecular consequence: inframe insertion.
Genome position (GRCh38, 1-based): chr12:6,025,915-6,025,917, GTC duplicated on the plus strand (GAC on the coding strand, the reverse complement: VWF is on the minus strand). VCF-style (leftmost placement, unchanged base first): chr12-6025914-T-TGTC. GRCh37 (hg19) VCF-style: chr12-6135080-T-TGTC.
Other names: p.Asp1033dup; c.3097_3099dupGAC (NM_000552.5).
Identifiers: ClinVar variation 993129 (VCV000993129.5), dbSNP rs752219725, ClinGen allele CA6402854.